The following is an entry in ClinVar:

NM_000026.4(ADSL):c.558G>A (p.Leu186=)

Gene: ADSL (adenylosuccinate lyase; plus strand). Cytogenetic location: 22q13.1.
Variant type: single nucleotide variant.
Coding change: c.558G>A on transcript NM_000026.4 (MANE Select); coding-DNA position 558, G replaced by A.
Protein change: p.Leu186=; no amino-acid change (leucine 186 retained).
Molecular consequence: synonymous variant. On other transcripts: non-coding transcript variant (1).
Genome position (GRCh38, 1-based): chr22:40,358,939, G>A. VCF-style: chr22-40358939-G-A. GRCh37 (hg19) VCF-style: chr22-40754943-G-A.
Other names: c.558G>A, p.Leu186= (NM_001123378.3, NM_001363840.3); c.366G>A, p.Leu122= (NM_001317923.2).
Identifiers: ClinVar variation 518208 (VCV000518208.1), dbSNP rs1555907486, ClinGen allele CA514614247.

ClinVar aggregate classification (germline): Likely benign (1 of 4 stars; one submission).

Allele frequency attached by ClinVar (database versions not stated): gnomAD exomes below 0.00001.
gnomAD v4.1: 1 of 1,614,184 alleles (0.000062%); highest among the groups gnomAD compares: Non-Finnish European, 0.000085%; no homozygotes.

Submission:

GeneDx
Classification: Likely benign. Last evaluated: 2017-06-29. Review status: criteria provided, single submitter. Criteria: GeneDx Variant Classification (06012015). Collection method: clinical testing. Allele origin: germline. Affected: yes.
Comment: This variant is considered likely benign or benign based on one or more of the following criteria: it is a conservative change, it occurs at a poorly conserved position in the protein, it is predicted to be benign by multiple in silico algorithms, and/or has population frequency not consistent with disease.